The following is an entry in ClinVar:

ClinVar aggregate classification (germline): Uncertain significance (1 of 4 stars; one submission).

Submission:

Labcorp Genetics (formerly Invitae), Labcorp
Classification: Uncertain significance. Last evaluated: 2025-03-01. Review status: criteria provided, single submitter. Criteria: Invitae Variant Classification Sherloc (09022015). Collection method: clinical testing. Allele origin: germline.
Comment: This sequence change replaces serine, which is neutral and polar, with glycine, which is neutral and non-polar, at codon 1307 of the USP9X protein (p.Ser1307Gly). This variant is not present in population databases (gnomAD no frequency). This variant has not been reported in the literature in individuals affected with USP9X-related conditions. An algorithm developed to predict the effect of missense changes on protein structure and function (PolyPhen-2) suggests that this variant is likely to be tolerated. In summary, the available evidence is currently insufficient to determine the role of this variant in disease. Therefore, it has been classified as a Variant of Uncertain Significance.

NM_001039591.3(USP9X):c.3919A>G (p.Ser1307Gly)

Gene: USP9X (ubiquitin specific peptidase 9 X-linked; plus strand). Cytogenetic location: Xp11.4.
Variant type: single nucleotide variant.
Coding change: c.3919A>G on transcript NM_001039591.3 (MANE Select); coding-DNA position 3919, A replaced by G.
Protein change: p.Ser1307Gly; replaces serine 1307 with glycine.
Molecular consequence: missense variant.
Genome position (GRCh38, 1-based): chrX:41,189,417, A>G. VCF-style: chrX-41189417-A-G. GRCh37 (hg19) VCF-style: chrX-41048670-A-G.
Other names: c.3919A>G, p.Ser1307Gly (NM_001039590.3); c.3934A>G, p.Ser1312Gly (NM_001410748.1, NM_001410749.1, NM_001437534.1); short protein forms S1312G, S1307G.
Identifiers: ClinVar variation 4710493 (VCV004710493.1).
Genomic context (GRCh38, chrX:41,189,417, plus strand): 5'-GAAGCATTGGAAGTGATGACCTTATGTTTTGCCTTGATTCCAACAGCCTTAGATGCTCTT[A>G]GTAAAGAAAAGGCTTGGCAGACATTCATCATTGACTTACTATTGCACTGTCACAGCAAGT-3'
Protein context (NP_001034680.2, residues 1297-1317): ALIPTALDAL[Ser1307Gly]KEKAWQTFII